The following is an entry in ClinVar:

NM_001378778.1(MPDZ):c.442C>T (p.Leu148Phe)

Gene: MPDZ (multiple PDZ domain crumbs cell polarity complex component; minus strand). Cytogenetic location: 9p23.
Variant type: single nucleotide variant.
Coding change: c.442C>T on transcript NM_001378778.1 (MANE Select); coding-DNA position 442, C replaced by T.
Protein change: p.Leu148Phe; replaces leucine 148 with phenylalanine.
Molecular consequence: missense variant.
Genome position (GRCh38, 1-based): chr9:13,223,662, G>A on the plus strand (C>T on the coding strand, the complement: MPDZ is on the minus strand). VCF-style: chr9-13223662-G-A. GRCh37 (hg19) VCF-style: chr9-13223661-G-A.
Other names: c.442C>T, p.Leu148Phe (NM_001261406.2, NM_001261407.2, NM_001330637.2 and 14 more transcripts); short protein forms L148F.
Identifiers: ClinVar variation 1480663 (VCV001480663.8), dbSNP rs1959539314, ClinGen allele CA372947627.

ClinVar aggregate classification (germline): Uncertain significance (1 of 4 stars; one submission).

Allele frequency attached by ClinVar (database versions not stated): TOPMed below 0.00001.

Submission:

Labcorp Genetics (formerly Invitae), Labcorp
Classification: Uncertain significance. Last evaluated: 2023-08-24. Review status: criteria provided, single submitter. Criteria: Invitae Variant Classification Sherloc (09022015). Collection method: clinical testing. Allele origin: germline.
Comment: This sequence change replaces leucine, which is neutral and non-polar, with phenylalanine, which is neutral and non-polar, at codon 148 of the MPDZ protein (p.Leu148Phe). This variant is not present in population databases (gnomAD no frequency). This variant has not been reported in the literature in individuals affected with MPDZ-related conditions. ClinVar contains an entry for this variant (Variation ID: 1480663). An algorithm developed to predict the effect of missense changes on protein structure and function (PolyPhen-2) suggests that this variant is likely to be disruptive. In summary, the available evidence is currently insufficient to determine the role of this variant in disease. Therefore, it has been classified as a Variant of Uncertain Significance.